The following is an entry in ClinVar:

ClinVar aggregate classification (germline): Benign/Likely benign. Review status: criteria provided, multiple submitters, no conflicts (2 of 4 stars). 5 submissions from 5 submitters: Benign (1); Likely benign (4). Last evaluated 2024-04-15.

Conditions:
Hereditary cancer-predisposing syndrome. Also called: Hereditary neoplastic syndrome; Hereditary Cancer Syndrome; Neoplastic Syndromes, Hereditary; Tumor predisposition. Identifiers: Orphanet 140162, MedGen C0027672, MeSH D009386, MONDO:0015356.
Familial adenomatous polyposis 1 (FAP1). Also called: FAMILIAL ADENOMATOUS POLYPOSIS 1, ATTENUATED; POLYPOSIS, ADENOMATOUS INTESTINAL. Identifiers: MedGen C2713442, MONDO:0021056, OMIM 175100. Disease mechanism: loss of function.

Submissions (5):

Myriad Genetics, Inc.
Classification: Benign for Familial adenomatous polyposis 1. Last evaluated: 2024-04-15. Review status: criteria provided, single submitter. Criteria: Myriad Autosomal Dominant, Autosomal Recessive and X-Linked Classification Criteria (2023). Collection method: clinical testing. Allele origin: unknown.
Comment: This variant is considered benign. This variant is a silent/synonymous amino acid change and it is not expected to impact splicing.

Labcorp Genetics (formerly Invitae), Labcorp
Classification: Likely benign for Familial adenomatous polyposis 1. Last evaluated: 2022-08-29. Review status: criteria provided, single submitter. Criteria: Invitae Variant Classification Sherloc (09022015). Collection method: clinical testing. Allele origin: germline.

Ambry Genetics
Classification: Likely benign for Hereditary cancer-predisposing syndrome. Last evaluated: 2021-02-28. Review status: criteria provided, single submitter. Criteria: Ambry Variant Classification Scheme 2023. Collection method: clinical testing. Allele origin: germline.

Color Diagnostics, LLC DBA Color Health
Classification: Likely benign for Hereditary cancer-predisposing syndrome. Last evaluated: 2018-09-17. Review status: criteria provided, single submitter. Criteria: ACMG Guidelines, 2015. Collection method: clinical testing. Allele origin: germline.

GeneDx
Classification: Likely benign. Last evaluated: 2017-01-18. Review status: criteria provided, single submitter. Criteria: GeneDx Variant Classification (06012015). Collection method: clinical testing. Allele origin: germline. Affected: yes.
Comment: This variant is considered likely benign or benign based on one or more of the following criteria: it is a conservative change, it occurs at a poorly conserved position in the protein, it is predicted to be benign by multiple in silico algorithms, and/or has population frequency not consistent with disease.

NM_000038.6(APC):c.8373G>A (p.Arg2791=)

Gene: APC (APC regulator of Wnt signaling pathway; plus strand). Cytogenetic location: 5q22.2.
Variant type: single nucleotide variant.
Coding change: c.8373G>A on transcript NM_000038.6 (MANE Select); coding-DNA position 8373, G replaced by A.
Protein change: p.Arg2791=; no amino-acid change (arginine 2791 retained).
Molecular consequence: synonymous variant.
Genome position (GRCh38, 1-based): chr5:112,843,967, G>A. VCF-style: chr5-112843967-G-A. GRCh37 (hg19) VCF-style: chr5-112179664-G-A.
Other names: c.8373G>A, p.Arg2791= (NM_001127510.3, NM_001354895.2); c.8319G>A, p.Arg2773= (NM_001127511.3); c.8427G>A, p.Arg2809= (NM_001354896.2); c.8403G>A, p.Arg2801= (NM_001354897.2); c.8298G>A, p.Arg2766= (NM_001354898.2); c.8289G>A, p.Arg2763= (NM_001354899.2); c.8250G>A, p.Arg2750= (NM_001354900.2); c.8196G>A, p.Arg2732= (NM_001354901.2); and 5 more.
Identifiers: ClinVar variation 506929 (VCV000506929.14), dbSNP rs1554089081, ClinGen allele CA446211320.